The following is an entry in ClinVar:

NC_000018.10:g.2703692del

Gene: SMCHD1 (structural maintenance of chromosomes flexible hinge domain containing 1; plus strand). Cytogenetic location: 18p11.32.
Variant type: Deletion.
Genome position: GRCh38 VCF-style: chr18-2703690-AG-A. GRCh37 (hg19) VCF-style: chr18-2703688-AG-A.
Identifiers: ClinVar variation 4734133 (VCV004734133.1).
Genomic context (GRCh38, chr18:2,703,690, plus strand): 5'-TGTTTATGGTTATATTTGTTTGCTAGTAGCTATATTTCATAAAACATTTTAAAATTCTAC[AG>A]GAACAGCGAATGAAAATTGACAGAGAATTTGCTTTGTGGCTGAAGGACTGTCATGAGAAG-3'

ClinVar aggregate classification (germline): Pathogenic (1 of 4 stars; one submission).

Conditions:
Facioscapulohumeral muscular dystrophy 2 (FSHD2). Also called: MUSCULAR DYSTROPHY, FACIOSCAPULOHUMERAL, TYPE 1B; FACIOSCAPULOHUMERAL MUSCULAR DYSTROPHY 2, DIGENIC; FSHD2, DIGENIC. Identifiers: Orphanet 269, MedGen C1834671, MONDO:0008031, OMIM 158901.

Submission:

Labcorp Genetics (formerly Invitae), Labcorp
Classification: Pathogenic for Facioscapulohumeral muscular dystrophy 2. Last evaluated: 2025-12-24. Review status: criteria provided, single submitter. Criteria: Invitae Variant Classification Sherloc (09022015). Collection method: clinical testing. Allele origin: germline.
Comment: This sequence change creates a premature translational stop signal (p.Glu550Asnfs*4) in the SMCHD1 gene. It is expected to result in an absent or disrupted protein product. Loss-of-function variants in SMCHD1 are known to be pathogenic (PMID: 23143600). This variant is not present in population databases (gnomAD no frequency). This variant has not been reported in the literature in individuals affected with SMCHD1-related conditions. Algorithms developed to predict the effect of sequence changes on RNA splicing suggest that this variant may disrupt the consensus splice site. For these reasons, this variant has been classified as Pathogenic.

Literature cited by the submitters: PubMed 23143600.